The following is an entry in ClinVar:

NM_021784.5(FOXA2):c.608G>A (p.Arg203Gln)

Gene: FOXA2 (forkhead box A2; minus strand). Cytogenetic location: 20p11.21.
Variant type: single nucleotide variant.
Coding change: c.608G>A on transcript NM_021784.5 (MANE Select); coding-DNA position 608, G replaced by A.
Protein change: p.Arg203Gln; replaces arginine 203 with glutamine.
Molecular consequence: missense variant.
Genome position (GRCh38, 1-based): chr20:22,582,634, C>T on the plus strand (G>A on the coding strand, the complement: FOXA2 is on the minus strand). VCF-style: chr20-22582634-C-T. GRCh37 (hg19) VCF-style: chr20-22563272-C-T.
Other names: c.590G>A, p.Arg197Gln (NM_153675.3); short protein forms R197Q, R203Q.
Identifiers: ClinVar variation 2743095 (VCV002743095.3), dbSNP rs372773557, ClinGen allele CA9786990.

ClinVar aggregate classification (germline): Uncertain significance (1 of 4 stars; one submission).

Allele frequency attached by ClinVar (database versions not stated): ExAC 0.00001; TOPMed 0.00001; ESP Exome Variant Server 0.00008.

Submission:

Labcorp Genetics (formerly Invitae), Labcorp
Classification: Uncertain significance. Last evaluated: 2022-11-05. Review status: criteria provided, single submitter. Criteria: Invitae Variant Classification Sherloc (09022015). Collection method: clinical testing. Allele origin: germline.
Comment: In summary, the available evidence is currently insufficient to determine the role of this variant in disease. Therefore, it has been classified as a Variant of Uncertain Significance. Algorithms developed to predict the effect of missense changes on protein structure and function (SIFT, PolyPhen-2, Align-GVGD) all suggest that this variant is likely to be disruptive. This variant has not been reported in the literature in individuals affected with FOXA2-related conditions. This variant is present in population databases (rs372773557, gnomAD 0.007%). This sequence change replaces arginine, which is basic and polar, with glutamine, which is neutral and polar, at codon 203 of the FOXA2 protein (p.Arg203Gln).